The following is an entry in ClinVar:

ClinVar aggregate classification (germline): Benign/Likely benign. Review status: criteria provided, multiple submitters, no conflicts (2 of 4 stars). 3 submissions from 3 submitters: Benign (1); Likely benign (2). Last evaluated 2026-01-20.

Conditions:
Glycogen storage disease IXd (GSD9D). Also called: GSD IXd; Muscle Phosphorylase Kinase Deficiency. Identifiers: Orphanet 715, MedGen C1845151, MONDO:0010362, OMIM 300559.

Allele frequency attached by ClinVar (database versions not stated): gnomAD 0.00002 and 0.00006; TOPMed 0.00008; gnomAD exomes 0.00009 and 0.00029; ExAC 0.00035; 1000 Genomes Project 30x 0.00083; 1000 Genomes Project 0.00106.
gnomAD v4.1: 111 of 1,174,352 alleles (0.0095%); highest among the groups gnomAD compares: East Asian, 0.27%; no homozygotes.

Submissions (3):

Labcorp Genetics (formerly Invitae), Labcorp
Classification: Likely benign for Glycogen storage disease IXd. Last evaluated: 2026-01-20. Review status: criteria provided, single submitter. Criteria: Invitae Variant Classification Sherloc (09022015). Collection method: clinical testing. Allele origin: germline.

Illumina Laboratory Services, Illumina
Classification: Benign for Glycogen storage disease IXd. Last evaluated: 2018-01-13. Review status: criteria provided, single submitter. Criteria: ICSL Variant Classification Criteria 13 December 2019. Collection method: clinical testing. Allele origin: germline.
Comment: This variant was observed in the ICSL laboratory as part of a predisposition screen in an ostensibly healthy population. It had not been previously curated by ICSL or reported in the Human Gene Mutation Database (HGMD: prior to June 1st, 2018), and was therefore a candidate for classification through an automated scoring system. Utilizing variant allele frequency, disease prevalence and penetrance estimates, and inheritance mode, an automated score was calculated to assess if this variant is too frequent to cause the disease. Based on the score and internal cut-off values, a variant classified as benign is not then subjected to further curation. The score for this variant resulted in a classification of benign for this disease.

GeneDx
Classification: Likely benign. Last evaluated: 2017-07-19. Review status: criteria provided, single submitter. Criteria: GeneDx Variant Classification (06012015). Collection method: clinical testing. Allele origin: germline. Affected: yes.
Comment: This variant is considered likely benign or benign based on one or more of the following criteria: it is a conservative change, it occurs at a poorly conserved position in the protein, it is predicted to be benign by multiple in silico algorithms, and/or has population frequency not consistent with disease.

NM_002637.4(PHKA1):c.478G>A (p.Asp160Asn)

Gene: PHKA1 (phosphorylase kinase regulatory subunit alpha 1; minus strand). Cytogenetic location: Xq13.1.
Variant type: single nucleotide variant.
Coding change: c.478G>A on transcript NM_002637.4 (MANE Select); coding-DNA position 478, G replaced by A.
Protein change: p.Asp160Asn; replaces aspartic acid 160 with asparagine.
Molecular consequence: missense variant.
Genome position (GRCh38, 1-based): chrX:72,684,557, C>T on the plus strand (G>A on the coding strand, the complement: PHKA1 is on the minus strand). VCF-style: chrX-72684557-C-T. GRCh37 (hg19) VCF-style: chrX-71904407-C-T.
Other names: c.478G>A, p.Asp160Asn (NM_001122670.2, NM_001172436.2); short protein forms D160N.
Identifiers: ClinVar variation 368653 (VCV000368653.13), dbSNP rs201601894, ClinGen allele CA10451052.
Genomic context (GRCh38, chrX:72,684,557, plus strand): 5'-CAGCAGTTTTATATGCAGCTTCAATGTAAAACACAAGGTTCTGTATGAAATTGACTTCAT[C>T]TAGGCTGTGGATGATATGGAGTCCTGAGGAAAGAGGGAATAAAGATACAGAACTGGTCAA-3'
Protein context (NP_002628.2, residues 150-170): ASGLHIIHSL[Asp160Asn]EVNFIQNLVF